The following is an entry in ClinVar:

ClinVar aggregate classification (germline): Uncertain significance (1 of 4 stars; one submission).

gnomAD v4.1: 1 of 1,613,760 alleles (0.000062%); highest among the groups gnomAD compares: Admixed American, 0.0017%; no homozygotes.

Submission:

Women's Health and Genetics/Laboratory Corporation of America, LabCorp
Classification: Uncertain significance. Last evaluated: 2024-11-19. Review status: criteria provided, single submitter. Criteria: LabCorp Variant Classification Summary - May 2015. Collection method: clinical testing. Allele origin: germline.
Comment: Variant summary: DNM1 c.386-6G>C alters a non-conserved nucleotide located close to a canonical splice site and therefore could affect mRNA splicing, leading to a significantly altered protein sequence. Several computational tools predict a significant impact on normal splicing: Three predict the variant strengthens a 3' acceptor site. One predict the variant no significant impact on splicing. However, these predictions have yet to be confirmed by functional studies. The variant allele was found at a frequency of 4e-06 in 250922 control chromosomes. The available data on variant occurrences in the general population are insufficient to allow any conclusion about variant significance. To our knowledge, no occurrence of c.386-6G>C in individuals affected with Developmental And Epileptic Encephalopathy, 31 and no experimental evidence demonstrating its impact on protein function have been reported. No submitters have cited clinical-significance assessments for this variant to ClinVar. Based on the evidence outlined above, the variant was classified as uncertain significance.

NM_004408.4(DNM1):c.386-6G>C

Genes: DNM1 (dynamin 1; plus strand), LOC113839516 (Sharpr-MPRA regulatory region 8497; plus strand). Cytogenetic location: 9q34.11.
Variant type: single nucleotide variant.
Coding change: c.386-6G>C on transcript NM_004408.4 (MANE Select); 6 bases into the intron before coding-DNA position 386, G replaced by C.
Molecular consequence: intron variant.
Genome position (GRCh38, 1-based): chr9:128,219,043, G>C. VCF-style: chr9-128219043-G-C. GRCh37 (hg19) VCF-style: chr9-130981322-G-C.
Other names: c.386-6G>C (NM_001005336.3, NM_001374269.1, NM_001288738.2 and 2 more transcripts).
Identifiers: ClinVar variation 3630010 (VCV003630010.1).
Genomic context (GRCh38, chr9:128,219,043, plus strand): 5'-TATTCTTTAACCTCGCCCGCGGCCACGCCCCTCGCCTTGAGCCCGCCCTCTCGCCGCCCT[G>C]TCCAGTGCTGAACCTGACCCTGGTGGACCTGCCCGGAATGACCAAGGTCCCGGTGGGGGA-3'